The following is an entry in ClinVar:

ClinVar aggregate classification (germline): Conflicting classifications of pathogenicity. Review status: criteria provided, conflicting classifications (1 of 4 stars). 5 submissions from 5 submitters: Uncertain significance (2); Benign (1); Likely benign (2). Last evaluated 2026-03-31.

Conditions:
Colorectal cancer, susceptibility to, 1. Also called: COLORECTAL ADENOMA AND CANCER, SUSCEPTIBILITY TO; COLORECTAL CANCER, SUSCEPTIBILITY TO, ON CHROMOSOME 9. Identifiers: MedGen C1837315, MONDO:0012132, OMIM 608812.

Allele frequency attached by ClinVar (database versions not stated): TOPMed 0.00113; gnomAD exomes 0.00026 and 0.00009; 1000 Genomes Project 30x 0.00031; ExAC 0.00035; 1000 Genomes Project 0.00040; gnomAD 0.00106 and 0.00117; ESP Exome Variant Server 0.00115.
gnomAD v4.1: 300 of 1,614,128 alleles (0.019%); highest among the groups gnomAD compares: African/African-American, 0.38%; 2 homozygotes.

Submissions (5):

Dasa
Classification: Uncertain significance. Last evaluated: 2026-03-31. Review status: criteria provided, single submitter. Criteria: DASA Assertion Criteria. Collection method: clinical testing. Allele origin: germline.
Comment: NM_024642.5(GALNT12):c.1301C>T (p.Pro434Leu) is a missense variant that results in the substitution of proline with leucine. This classification is supported by population frequency inconsistent with a disease-causing role. Computational prediction algorithms are consistent with a deleterious effect. The currently available literature and clinical evidence are not sufficient to establish a definitive association between this variant and the reported condition. Therefore, this variant is classified as a variant of uncertain significance.

Labcorp Genetics (formerly Invitae), Labcorp
Classification: Likely benign. Last evaluated: 2025-12-10. Review status: criteria provided, single submitter. Criteria: Invitae Variant Classification Sherloc (09022015). Collection method: clinical testing. Allele origin: germline.

Ambry Genetics
Classification: Likely benign. Last evaluated: 2025-08-21. Review status: criteria provided, single submitter. Criteria: Ambry Variant Classification Scheme 2023. Collection method: clinical testing. Allele origin: germline.

Department of Pathology and Laboratory Medicine, Sinai Health System
Classification: Uncertain significance for Colorectal cancer, susceptibility to, 1. Last evaluated: 2023-08-16. Review status: criteria provided, single submitter. Criteria: ACMG Guidelines, 2015. Collection method: clinical testing. Allele origin: germline. Affected: yes.

Quest Diagnostics Nichols Institute San Juan Capistrano
Classification: Benign. Last evaluated: 2022-11-28. Review status: criteria provided, single submitter. Criteria: Quest Diagnostics criteria. Collection method: clinical testing. Allele origin: unknown.

NM_024642.5(GALNT12):c.1301C>T (p.Pro434Leu)

Gene: GALNT12 (polypeptide N-acetylgalactosaminyltransferase 12; plus strand). Cytogenetic location: 9q22.33.
Variant type: single nucleotide variant.
Coding change: c.1301C>T on transcript NM_024642.5 (MANE Select); coding-DNA position 1301, C replaced by T.
Protein change: p.Pro434Leu; replaces proline 434 with leucine.
Molecular consequence: missense variant.
Genome position (GRCh38, 1-based): chr9:98,840,090, C>T. VCF-style: chr9-98840090-C-T. GRCh37 (hg19) VCF-style: chr9-101602372-C-T.
Other names: short protein forms P434L.
Identifiers: ClinVar variation 416219 (VCV000416219.20), dbSNP rs34565987, ClinGen allele CA5154224.